The following is an entry in ClinVar:

ClinVar aggregate classification (germline): Uncertain significance (1 of 4 stars; one submission).

Conditions:
Immunodeficiency 81. Identifiers: MedGen C5543540, MONDO:0030302, OMIM 619374.

Submission:

3billion
Classification: Uncertain significance for Immunodeficiency 81. Last evaluated: 2022-01-03. Review status: criteria provided, single submitter. Criteria: ACMG Guidelines, 2015. Collection method: clinical testing. Allele origin: germline. Affected: yes. Observed: 1 heterozygote.
Comment: The variant is observed at an extremely low frequency in the gnomAD v2.1.1 dataset (total allele frequency: 0.000000, PM2_M). In silico tool predictions suggest no damaging effect of the variant on gene or gene product (REVEL:0.203<=0.4, 3CNET:0.213<=0.25, BP4_P). Therefore, this variant is classified as uncertain significance according to the recommendation of ACMG/AMP guideline.

NM_005565.5(LCP2):c.610C>T (p.Arg204Trp)

Gene: LCP2 (lymphocyte cytosolic protein 2; minus strand). Cytogenetic location: 5q35.1.
Variant type: single nucleotide variant.
Coding change: c.610C>T on transcript NM_005565.5 (MANE Select); coding-DNA position 610, C replaced by T.
Protein change: p.Arg204Trp; replaces arginine 204 with tryptophan.
Molecular consequence: missense variant.
Genome position (GRCh38, 1-based): chr5:170,268,396, G>A on the plus strand (C>T on the coding strand, the complement: LCP2 is on the minus strand). VCF-style: chr5-170268396-G-A. GRCh37 (hg19) VCF-style: chr5-169695400-G-A.
Other names: short protein forms R204W.
Identifiers: ClinVar variation 1333235 (VCV001333235.1), dbSNP rs368344059, ClinGen allele CA132028167.